The following is an entry in ClinVar:

NM_022114.4(PRDM16):c.676+17A>G

Gene: PRDM16 (PR/SET domain 16; plus strand). Cytogenetic location: 1p36.32.
Variant type: single nucleotide variant.
Coding change: c.676+17A>G on transcript NM_022114.4 (MANE Select); 17 bases into the intron after coding-DNA position 676, A replaced by G.
Molecular consequence: intron variant.
Genome position (GRCh38, 1-based): chr1:3,396,610, A>G. VCF-style: chr1-3396610-A-G. GRCh37 (hg19) VCF-style: chr1-3313174-A-G.
Other names: c.676+17A>G (NM_199454.3).
Identifiers: ClinVar variation 511347 (VCV000511347.3), dbSNP rs1553173395, ClinGen allele CA658795375.

ClinVar aggregate classification (germline): Likely benign. Review status: criteria provided, multiple submitters, no conflicts (2 of 4 stars). 2 submissions from 2 submitters: Likely benign (2). Last evaluated 2024-04-01.

Conditions:
Left ventricular noncompaction 8 (LVNC8). Identifiers: Orphanet 154, Orphanet 54260, MedGen C3809288, MONDO:0014152, OMIM 615373.

Allele frequency attached by ClinVar (database versions not stated): TOPMed below 0.00001.

Submissions (2):

Labcorp Genetics (formerly Invitae), Labcorp
Classification: Likely benign for Left ventricular noncompaction 8. Last evaluated: 2024-04-01. Review status: criteria provided, single submitter. Criteria: Invitae Variant Classification Sherloc (09022015). Collection method: clinical testing. Allele origin: germline.

GeneDx
Classification: Likely benign. Last evaluated: 2017-08-10. Review status: criteria provided, single submitter. Criteria: GeneDx Variant Classification (06012015). Collection method: clinical testing. Allele origin: germline. Affected: yes.
Comment: This variant is considered likely benign or benign based on one or more of the following criteria: it is a conservative change, it occurs at a poorly conserved position in the protein, it is predicted to be benign by multiple in silico algorithms, and/or has population frequency not consistent with disease.